The following is an entry in ClinVar:

NM_001197104.2(KMT2A):c.7450A>C (p.Asn2484His)

Gene: KMT2A (lysine methyltransferase 2A; plus strand). Cytogenetic location: 11q23.3.
Variant type: single nucleotide variant.
Coding change: c.7450A>C on transcript NM_001197104.2 (MANE Select); coding-DNA position 7450, A replaced by C.
Protein change: p.Asn2484His; replaces asparagine 2484 with histidine.
Molecular consequence: missense variant.
Genome position (GRCh38, 1-based): chr11:118,503,342, A>C. VCF-style: chr11-118503342-A-C. GRCh37 (hg19) VCF-style: chr11-118374057-A-C.
Other names: c.7540A>C, p.Asn2514His (NM_001412597.1); c.7441A>C, p.Asn2481His (NM_005933.4); short protein forms N2514H, N2481H, N2484H.
Identifiers: ClinVar variation 2800652 (VCV002800652.4), dbSNP rs1555046586, ClinGen allele CA382805623.
Genomic context (GRCh38, chr11:118,503,342, plus strand): 5'-AAGCCAGAGTTTATGGATGAGGTTTTGACTCCTGAGTATATGGGCCAACGACCATGTAAC[A>C]ATGTTTCTTCTGATAAGATTGGTGATAAAGGCCTTTCTATGCCAGGAGTCCCCAAAGCTC-3'
Protein context (NP_001184033.1, residues 2474-2494): PEYMGQRPCN[Asn2484His]VSSDKIGDKG

ClinVar aggregate classification (germline): Uncertain significance. Review status: criteria provided, multiple submitters, no conflicts (2 of 4 stars). 2 submissions from 2 submitters: Uncertain significance (2). Last evaluated 2026-04-06.

Conditions:
Inborn genetic diseases. Identifiers: MedGen C0950123, MeSH D030342.

Allele frequency attached by ClinVar (database versions not stated): gnomAD exomes below 0.00001.
gnomAD v4.1: 1 of 1,614,132 alleles (0.000062%); highest among the groups gnomAD compares: South Asian, 0.0011%; no homozygotes.

Submissions (2):

Ambry Genetics
Classification: Uncertain significance for Inborn genetic diseases. Last evaluated: 2026-04-06. Review status: criteria provided, single submitter. Criteria: Ambry Variant Classification Scheme 2023. Collection method: clinical testing. Allele origin: germline.
Comment: The c.7450A>C (p.N2484H) alteration is located in exon 27 (coding exon 27) of the KMT2A gene. This alteration results from a A to C substitution at nucleotide position 7450, causing the asparagine (N) at amino acid position 2484 to be replaced by a histidine (H). Based on data from gnomAD, the C allele has an overall frequency of <0.001% (1/251436) total alleles studied. The highest observed frequency was 0.003% (1/30610) of South Asian alleles. Based on insufficient or conflicting evidence, the clinical significance of this alteration remains unclear.

Labcorp Genetics (formerly Invitae), Labcorp
Classification: Uncertain significance. Last evaluated: 2023-03-23. Review status: criteria provided, single submitter. Criteria: Invitae Variant Classification Sherloc (09022015). Collection method: clinical testing. Allele origin: germline.
Comment: This sequence change replaces asparagine, which is neutral and polar, with histidine, which is basic and polar, at codon 2484 of the KMT2A protein (p.Asn2484His). This variant is present in population databases (no rsID available, gnomAD 0.003%). This variant has not been reported in the literature in individuals affected with KMT2A-related conditions. Advanced modeling of protein sequence and biophysical properties (such as structural, functional, and spatial information, amino acid conservation, physicochemical variation, residue mobility, and thermodynamic stability) performed at Invitae indicates that this missense variant is not expected to disrupt KMT2A protein function. In summary, the available evidence is currently insufficient to determine the role of this variant in disease. Therefore, it has been classified as a Variant of Uncertain Significance.